The following is an entry in ClinVar:

ClinVar aggregate classification (germline): Uncertain significance (1 of 4 stars; one submission).

gnomAD v4.1: 3 of 1,614,076 alleles (0.00019%); highest among the groups gnomAD compares: Admixed American, 0.0017%; no homozygotes.

Submission:

Labcorp Genetics (formerly Invitae), Labcorp
Classification: Uncertain significance. Last evaluated: 2024-12-17. Review status: criteria provided, single submitter. Criteria: Invitae Variant Classification Sherloc (09022015). Collection method: clinical testing. Allele origin: germline.
Comment: This sequence change replaces aspartic acid, which is acidic and polar, with asparagine, which is neutral and polar, at codon 1190 of the FBN3 protein (p.Asp1190Asn). This variant is present in population databases (rs765198874, gnomAD 0.003%). This variant has not been reported in the literature in individuals affected with FBN3-related conditions. Invitae Evidence Modeling of protein sequence and biophysical properties (such as structural, functional, and spatial information, amino acid conservation, physicochemical variation, residue mobility, and thermodynamic stability) indicates that this missense variant is not expected to disrupt FBN3 protein function with a negative predictive value of 80%. In summary, the available evidence is currently insufficient to determine the role of this variant in disease. Therefore, it has been classified as a Variant of Uncertain Significance.

NM_032447.5(FBN3):c.3568G>A (p.Asp1190Asn)

Gene: FBN3 (fibrillin 3; minus strand). Cytogenetic location: 19p13.2.
Variant type: single nucleotide variant.
Coding change: c.3568G>A on transcript NM_032447.5 (MANE Select); coding-DNA position 3568, G replaced by A.
Protein change: p.Asp1190Asn; replaces aspartic acid 1190 with asparagine.
Molecular consequence: missense variant.
Genome position (GRCh38, 1-based): chr19:8,117,187, C>T on the plus strand (G>A on the coding strand, the complement: FBN3 is on the minus strand). VCF-style: chr19-8117187-C-T. GRCh37 (hg19) VCF-style: chr19-8182071-C-T.
Other names: c.3568G>A, p.Asp1190Asn (NM_001321431.2); short protein forms D1190N.
Identifiers: ClinVar variation 3614979 (VCV003614979.2).